The following is an entry in ClinVar:

ClinVar aggregate classification (germline): Uncertain significance. Review status: criteria provided, multiple submitters, no conflicts (2 of 4 stars). 3 submissions from 3 submitters: Uncertain significance (3). Last evaluated 2025-12-15.

Conditions:
Inborn genetic diseases. Identifiers: MedGen C0950123, MeSH D030342.

gnomAD v4.1: 1 of 1,613,914 alleles (0.000062%); highest among the groups gnomAD compares: Non-Finnish European, 0.000085%; no homozygotes.

Submissions (3):

Labcorp Genetics (formerly Invitae), Labcorp
Classification: Uncertain significance. Last evaluated: 2025-12-15. Review status: criteria provided, single submitter. Criteria: Invitae Variant Classification Sherloc (09022015). Collection method: clinical testing. Allele origin: germline.
Comment: This sequence change replaces glycine, which is neutral and non-polar, with glutamic acid, which is acidic and polar, at codon 2413 of the ACAN protein (p.Gly2413Glu). This variant is not present in population databases (gnomAD no frequency). This variant has not been reported in the literature in individuals affected with ACAN-related conditions. ClinVar contains an entry for this variant (Variation ID: 3912032). An algorithm developed to predict the effect of missense changes on protein structure and function (PolyPhen-2) suggests that this variant is likely to be disruptive. In summary, the available evidence is currently insufficient to determine the role of this variant in disease. Therefore, it has been classified as a Variant of Uncertain Significance.

Women's Health and Genetics/Laboratory Corporation of America, LabCorp
Classification: Uncertain significance. Last evaluated: 2025-07-01. Review status: criteria provided, single submitter. Criteria: LabCorp Variant Classification Summary - May 2015. Collection method: clinical testing. Allele origin: germline.
Comment: Variant summary: ACAN c.7352G>A (p.Gly2451Glu) results in a non-conservative amino acid change in the encoded protein sequence. Algorithms developed to predict the effect of missense changes on protein structure and function are either unavailable or do not agree on the potential impact of this missense change. The variant was absent in 249246 control chromosomes. The available data on variant occurrences in the general population are insufficient to allow any conclusion about variant significance. To our knowledge, no occurrence of c.7352G>A in individuals affected with ACAN-Related Disorders and no experimental evidence demonstrating its impact on protein function have been reported. No submitters have cited clinical-significance assessments for this variant to ClinVar. Based on the evidence outlined above, the variant was classified as uncertain significance.

Ambry Genetics
Classification: Uncertain significance for Inborn genetic diseases. Last evaluated: 2025-04-24. Review status: criteria provided, single submitter. Criteria: Ambry Variant Classification Scheme 2023. Collection method: clinical testing. Allele origin: germline.

NM_001369268.1(ACAN):c.7352G>A (p.Gly2451Glu)

Gene: ACAN (aggrecan; plus strand). Cytogenetic location: 15q26.1.
Variant type: single nucleotide variant.
Coding change: c.7352G>A on transcript NM_001369268.1 (MANE Select); coding-DNA position 7352, G replaced by A.
Protein change: p.Gly2451Glu; replaces glycine 2451 with glutamic acid.
Molecular consequence: missense variant.
Genome position (GRCh38, 1-based): chr15:88,872,930, G>A. VCF-style: chr15-88872930-G-A. GRCh37 (hg19) VCF-style: chr15-89416161-G-A.
Other names: c.7124G>A, p.Gly2375Glu (NM_001411096.1, NM_001135.4); c.7238G>A, p.Gly2413Glu (NM_001411097.1, NM_013227.4); c.7238G>A (NM_013227.3); short protein forms G2375E, G2413E, G2451E.
Identifiers: ClinVar variation 3912032 (VCV003912032.3).